The following is an entry in ClinVar:

NM_005633.4(SOS1):c.127G>C (p.Asp43His)

Gene: SOS1 (SOS Ras/Rac guanine nucleotide exchange factor 1; minus strand). Cytogenetic location: 2p22.1.
Variant type: single nucleotide variant.
Coding change: c.127G>C on transcript NM_005633.4 (MANE Select); coding-DNA position 127, G replaced by C.
Protein change: p.Asp43His; replaces aspartic acid 43 with histidine.
Molecular consequence: missense variant.
Genome position (GRCh38, 1-based): chr2:39,067,714, C>G on the plus strand (G>C on the coding strand, the complement: SOS1 is on the minus strand). VCF-style: chr2-39067714-C-G. GRCh37 (hg19) VCF-style: chr2-39294855-C-G.
Other names: p.D43H:GAT>CAT; c.106G>C, p.Asp36His (NM_001382394.1); c.127G>C, p.Asp43His (NM_001382395.1); short protein forms D43H, D36H.
Identifiers: ClinVar variation 40642 (VCV000040642.10), dbSNP rs730881052, ClinGen allele CA297289.

ClinVar aggregate classification (germline): Uncertain significance. Review status: criteria provided, multiple submitters, no conflicts (2 of 4 stars). 6 submissions from 5 submitters: Uncertain significance (6). Last evaluated 2025-03-26.

Conditions:
Cardiovascular phenotype. Identifiers: MedGen CN230736.
RASopathy. Also called: Noonan spectrum disorder; rasopathies. Identifiers: Orphanet 536391, MedGen C5555857, MONDO:0021060.
Fibromatosis, gingival, 1 (GINGF1). Identifiers: Orphanet 2024, MedGen C4551558, MONDO:0007609, OMIM 135300.
Noonan syndrome 4 (NS4). Also called: SOS1-Related Noonan Syndrome; NOONAN SYNDROME WITH PIGMENTED VILLONODULAR SYNOVITIS. Identifiers: Orphanet 648, MedGen C1853120, MONDO:0012547, OMIM 610733.

Allele frequency attached by ClinVar (database versions not stated): gnomAD exomes 0.00001; TOPMed below 0.00001; ExAC 0.00001.
gnomAD v4.1: 3 of 1,611,466 alleles (0.00019%); highest among the groups gnomAD compares: Non-Finnish European, 0.00025%; no homozygotes.

Submissions (6):

Labcorp Genetics (formerly Invitae), Labcorp
Classification: Uncertain significance for RASopathy. Last evaluated: 2025-03-26. Review status: criteria provided, single submitter. Criteria: Invitae Variant Classification Sherloc (09022015). Collection method: clinical testing. Allele origin: germline.
Comment: This sequence change replaces aspartic acid, which is acidic and polar, with histidine, which is basic and polar, at codon 43 of the SOS1 protein (p.Asp43His). This variant is present in population databases (rs730881052, gnomAD 0.002%). This variant has not been reported in the literature in individuals affected with SOS1-related conditions. ClinVar contains an entry for this variant (Variation ID: 40642). Invitae Evidence Modeling of protein sequence and biophysical properties (such as structural, functional, and spatial information, amino acid conservation, physicochemical variation, residue mobility, and thermodynamic stability) indicates that this missense variant is expected to disrupt SOS1 protein function with a positive predictive value of 95%. In summary, the available evidence is currently insufficient to determine the role of this variant in disease. Therefore, it has been classified as a Variant of Uncertain Significance.

Ambry Genetics
Classification: Uncertain significance for Cardiovascular phenotype. Last evaluated: 2022-11-27. Review status: criteria provided, single submitter. Criteria: Ambry Variant Classification Scheme 2023. Collection method: clinical testing. Allele origin: germline.
Comment: The p.D43H variant (also known as c.127G>C), located in coding exon 2 of the SOS1 gene, results from a G to C substitution at nucleotide position 127. The aspartic acid at codon 43 is replaced by histidine, an amino acid with similar properties. This amino acid position is conserved. In addition, the in silico prediction for this alteration is inconclusive. Since supporting evidence is limited at this time, the clinical significance of this alteration remains unclear.

Blueprint Genetics
Classification: Uncertain significance. Last evaluated: 2018-01-04. Review status: criteria provided, single submitter. Criteria: ACMG Guidelines, 2015. Collection method: clinical testing. Allele origin: germline.

GeneDx
Classification: Uncertain significance. Last evaluated: 2012-01-06. Review status: criteria provided, single submitter. Criteria: GeneDx Variant Classification (06012015). Collection method: clinical testing. Allele origin: germline. Affected: yes.
Comment: The D43H missense substitution has not been published as a mutation, nor has it been reported as a benign polymorphism to our knowledge. The D43H missense change is a non-conservative amino acid substitution with a negatively charged residue (Asp) being replaced by a positively charged residue (His). The position at which this substitution occurs is conserved in the protein across species. To date, there have been no disease-associated mutations reported before codon Phenylalanine 78 in SOS1. The vast majority of missense changes in SOS1 are pathogenic; however, a small number of missense polymorphisms have been identified in this gene. The variant is found in NOONAN panel(s).

Genome-Nilou Lab
Classification: Uncertain significance for Noonan syndrome 4. Review status: criteria provided, single submitter. Criteria: ACMG Guidelines, 2015. Collection method: clinical testing. Allele origin: germline.

Genome-Nilou Lab
Classification: Uncertain significance for Fibromatosis, gingival, 1. Review status: criteria provided, single submitter. Criteria: ACMG Guidelines, 2015. Collection method: clinical testing. Allele origin: germline.